The following is an entry in ClinVar:

ClinVar aggregate classification (germline): Uncertain significance (1 of 4 stars; one submission).

Allele frequency attached by ClinVar (database versions not stated): gnomAD exomes below 0.00001.
gnomAD v4.1: 4 of 1,614,040 alleles (0.00025%); highest among the groups gnomAD compares: Non-Finnish European, 0.00034%; no homozygotes.

Submission:

Labcorp Genetics (formerly Invitae), Labcorp
Classification: Uncertain significance. Last evaluated: 2023-10-09. Review status: criteria provided, single submitter. Criteria: Invitae Variant Classification Sherloc (09022015). Collection method: clinical testing. Allele origin: germline.
Comment: This sequence change replaces glutamic acid, which is acidic and polar, with glutamine, which is neutral and polar, at codon 225 of the GANAB protein (p.Glu225Gln). This variant is not present in population databases (gnomAD no frequency). This variant has not been reported in the literature in individuals affected with GANAB-related conditions. ClinVar contains an entry for this variant (Variation ID: 1419703). An algorithm developed to predict the effect of missense changes on protein structure and function (PolyPhen-2) suggests that this variant is likely to be disruptive. In summary, the available evidence is currently insufficient to determine the role of this variant in disease. Therefore, it has been classified as a Variant of Uncertain Significance.

NM_198334.3(GANAB):c.607G>C (p.Glu203Gln)

Gene: GANAB (glucosidase II alpha subunit; minus strand). Cytogenetic location: 11q12.3.
Variant type: single nucleotide variant.
Coding change: c.607G>C on transcript NM_198334.3 (MANE Select); coding-DNA position 607, G replaced by C.
Protein change: p.Glu203Gln; replaces glutamic acid 203 with glutamine.
Molecular consequence: missense variant. On other transcripts: 5 prime UTR variant (2).
Genome position (GRCh38, 1-based): chr11:62,633,468, C>G on the plus strand (G>C on the coding strand, the complement: GANAB is on the minus strand). VCF-style: chr11-62633468-C-G. GRCh37 (hg19) VCF-style: chr11-62400940-C-G.
Other names: c.331G>C, p.Glu111Gln (NM_001278192.2); c.265G>C, p.Glu89Gln (NM_001278193.2); c.316G>C, p.Glu106Gln (NM_001278194.2, NM_001329222.2, NM_001329223.2); c.-117G>C (NM_001329224.2, NM_001329225.2); c.673G>C, p.Glu225Gln (NM_198335.4); short protein forms E106Q, E203Q, E225Q, E89Q, E111Q.
Identifiers: ClinVar variation 1419703 (VCV001419703.6), dbSNP rs2134496880, ClinGen allele CA380995444.